The following is an entry in ClinVar:

NM_194277.3(FRMD7):c.967T>C (p.Phe323Leu)

Gene: FRMD7 (FERM domain containing 7; minus strand). Cytogenetic location: Xq26.2.
Variant type: single nucleotide variant.
Coding change: c.967T>C on transcript NM_194277.3 (MANE Select); coding-DNA position 967, T replaced by C.
Protein change: p.Phe323Leu; replaces phenylalanine 323 with leucine.
Molecular consequence: missense variant.
Genome position (GRCh38, 1-based): chrX:132,080,205, A>G on the plus strand (T>C on the coding strand, the complement: FRMD7 is on the minus strand). VCF-style: chrX-132080205-A-G. GRCh37 (hg19) VCF-style: chrX-131214233-A-G.
Other names: c.922T>C, p.Phe308Leu (NM_001306193.2); short protein forms F308L, F323L.
Identifiers: ClinVar variation 1016879 (VCV001016879.8), dbSNP rs1927763361, ClinGen allele CA414680158.

ClinVar aggregate classification (germline): Uncertain significance (1 of 4 stars; one submission).

Allele frequency attached by ClinVar (database versions not stated): TOPMed below 0.00001.

Submission:

Labcorp Genetics (formerly Invitae), Labcorp
Classification: Uncertain significance. Last evaluated: 2022-03-18. Review status: criteria provided, single submitter. Criteria: Invitae Variant Classification Sherloc (09022015). Collection method: clinical testing. Allele origin: germline.
Comment: In summary, the available evidence is currently insufficient to determine the role of this variant in disease. Therefore, it has been classified as a Variant of Uncertain Significance. This sequence change replaces phenylalanine, which is neutral and non-polar, with leucine, which is neutral and non-polar, at codon 323 of the FRMD7 protein (p.Phe323Leu). This variant is not present in population databases (gnomAD no frequency). This variant has not been reported in the literature in individuals affected with FRMD7-related conditions. ClinVar contains an entry for this variant (Variation ID: 1016879). Algorithms developed to predict the effect of missense changes on protein structure and function are either unavailable or do not agree on the potential impact of this missense change (SIFT: "Deleterious"; PolyPhen-2: "Probably Damaging"; Align-GVGD: "Class C0").